The following is an entry in ClinVar:

ClinVar aggregate classification (germline): Pathogenic. Review status: criteria provided, multiple submitters, no conflicts (2 of 4 stars). 2 submissions from 2 submitters: Pathogenic (2). Last evaluated 2019-02-04.

Conditions:
Cornelia de Lange syndrome 5 (CDLS5). Also called: HDAC8-Related Cornelia de Lange Syndrome. Identifiers: Orphanet 199, MedGen C3550903, MONDO:0010471, OMIM 300882.

Submissions (2):

Victorian Clinical Genetics Services, Murdoch Childrens Research Institute
Classification: Pathogenic for Cornelia de Lange syndrome 5. Last evaluated: 2019-02-04. Review status: criteria provided, single submitter. Criteria: ACMG Guidelines, 2015. Collection method: clinical testing. Allele origin: unknown. Affected: yes.
Comment: A heterozygous frameshift deletion variant, NM_018486.3(HDAC8):c.134_137del, has been identified in exon 2 of 11 of the HDAC8 gene. This deletion is predicted to create a frameshift starting at amino acid position 45, introducing a stop codon 9 residues downstream (NM_018486.3(HDAC8):p.(Ile45Lysfs*9)). This variant is predicted to result in loss of protein function through nonsense-mediated decay, which is a reported mechanism of pathogenicity for this gene. The variant is absent in population databases (gnomAD, dbSNP, 1000G). The variant has been previously described as pathogenic (ClinVar). Several truncating variants downstream predicted to result in NMD have been reported pathogenic in patients with Cornelia de Lange syndrome (ClinVar, Decipher). Based on the information available at the time of curation, this variant has been classified as PATHOGENIC.

Genetic Services Laboratory, University of Chicago
Classification: Pathogenic for Cornelia de Lange syndrome 5. Last evaluated: 2014-09-23. Review status: criteria provided, single submitter. Criteria: ACMG Guidelines, 2015. Collection method: clinical testing. Allele origin: germline. Affected: yes.

NM_018486.3(HDAC8):c.134_137del (p.Ile45fs)

Gene: HDAC8 (histone deacetylase 8; minus strand). Cytogenetic location: Xq13.1.
Variant type: Microsatellite.
Coding change: c.134_137del on transcript NM_018486.3 (MANE Select); coding-DNA positions 134 to 137, 4 bases deleted (TTGA; older notation c.134_137delTTGA).
Protein change: p.Ile45fs; shifts the reading frame from isoleucine 45.
Molecular consequence: frameshift variant. On other transcripts: non-coding transcript variant (1).
Genome position (GRCh38, 1-based): chrX:72,572,084-72,572,087, TCAA deleted on the plus strand (TTGA on the coding strand, the reverse complement: HDAC8 is on the minus strand); deleting any 4 consecutive bases within chrX:72,572,084-72,572,091 gives the same sequence; the c. name uses the placement nearest the transcript's 3' end. VCF-style (leftmost placement, unchanged base first): chrX-72572083-TTCAA-T. GRCh37 (hg19) VCF-style: chrX-71791933-TTCAA-T.
Other names: c.134_137del, p.Ile45fs (NM_001166418.2, NM_001166419.2, NM_001166420.2 and 2 more transcripts); short protein forms I45fs.
Identifiers: ClinVar variation 211139 (VCV000211139.9), dbSNP rs797045610, ClinGen allele CA277318.